The following is an entry in ClinVar:

ClinVar aggregate classification (germline): Uncertain significance. Review status: criteria provided, multiple submitters, no conflicts (2 of 4 stars). 2 submissions from 2 submitters: Uncertain significance (2). Last evaluated 2023-12-03.

Conditions:
Catecholaminergic polymorphic ventricular tachycardia 1. Also called: VENTRICULAR TACHYCARDIA, STRESS-INDUCED POLYMORPHIC 1; VENTRICULAR TACHYCARDIA, CATECHOLAMINERGIC POLYMORPHIC, 1, WITH OR WITHOUT ATRIAL DYSFUNCTION AND/OR DILATED CARDIOMYOPATHY; RYR2-Related Catecholaminergic Polymorphic Ventricular Tachycardia. Identifiers: Orphanet 3286, MedGen C1631597, MONDO:0011484, OMIM 604772.
Cardiovascular phenotype. Identifiers: MedGen CN230736.

Allele frequency attached by ClinVar (database versions not stated): gnomAD 0.00001; TOPMed 0.00001.

Submissions (2):

Ambry Genetics
Classification: Uncertain significance for Cardiovascular phenotype. Last evaluated: 2023-12-03. Review status: criteria provided, single submitter. Criteria: Ambry Variant Classification Scheme 2023. Collection method: clinical testing. Allele origin: germline.
Comment: The p.S687N variant (also known as c.2060G>A), located in coding exon 41 of the TRDN gene, results from a G to A substitution at nucleotide position 2060. The serine at codon 687 is replaced by asparagine, an amino acid with highly similar properties. This amino acid position is conserved. In addition, this alteration is predicted to be tolerated by in silico analysis. Since supporting evidence is limited at this time, the clinical significance of this alteration remains unclear.

Labcorp Genetics (formerly Invitae), Labcorp
Classification: Uncertain significance for Catecholaminergic polymorphic ventricular tachycardia 1. Last evaluated: 2021-10-31. Review status: criteria provided, single submitter. Criteria: Invitae Variant Classification Sherloc (09022015). Collection method: clinical testing. Allele origin: germline.
Comment: This variant is present in population databases (no rsID available, gnomAD 0.01%). This sequence change replaces serine, which is neutral and polar, with asparagine, which is neutral and polar, at codon 687 of the TRDN protein (p.Ser687Asn). This variant has not been reported in the literature in individuals affected with TRDN-related conditions. Algorithms developed to predict the effect of missense changes on protein structure and function are either unavailable or do not agree on the potential impact of this missense change (SIFT: "Deleterious"; PolyPhen-2: "Probably Damaging"; Align-GVGD: "Class C0"). In summary, the available evidence is currently insufficient to determine the role of this variant in disease. Therefore, it has been classified as a Variant of Uncertain Significance.

NM_006073.4(TRDN):c.2060G>A (p.Ser687Asn)

Gene: TRDN (triadin; minus strand). Cytogenetic location: 6q22.31.
Variant type: single nucleotide variant.
Coding change: c.2060G>A on transcript NM_006073.4 (MANE Select); coding-DNA position 2060, G replaced by A.
Protein change: p.Ser687Asn; replaces serine 687 with asparagine.
Molecular consequence: missense variant.
Genome position (GRCh38, 1-based): chr6:123,218,731, C>T on the plus strand (G>A on the coding strand, the complement: TRDN is on the minus strand). VCF-style: chr6-123218731-C-T. GRCh37 (hg19) VCF-style: chr6-123539876-C-T.
Other names: c.2060G>A (NM_006073.2); short protein forms S687N.
Identifiers: ClinVar variation 1447964 (VCV001447964.8), dbSNP rs1188001301, ClinGen allele CA365564787.